The following is an entry in ClinVar:

NM_000548.5(TSC2):c.3563C>T (p.Pro1188Leu)

Gene: TSC2 (TSC complex subunit 2; plus strand). Cytogenetic location: 16p13.3.
Variant type: single nucleotide variant.
Coding change: c.3563C>T on transcript NM_000548.5 (MANE Select); coding-DNA position 3563, C replaced by T.
Protein change: p.Pro1188Leu; replaces proline 1188 with leucine.
Molecular consequence: missense variant. On other transcripts: non-coding transcript variant (5).
Genome position (GRCh38, 1-based): chr16:2,080,330, C>T. VCF-style: chr16-2080330-C-T. GRCh37 (hg19) VCF-style: chr16-2130331-C-T.
Other names: c.3431C>T, p.Pro1144Leu (NM_001077183.3, NM_001370404.1, NM_001406665.1); c.3563C>T, p.Pro1188Leu (NM_001114382.3); c.3323C>T, p.Pro1108Leu (NM_001318827.2); c.3287C>T, p.Pro1096Leu (NM_001318829.2); c.2831C>T, p.Pro944Leu (NM_001318831.2, NM_001406688.1, NM_001406687.1); c.3464C>T, p.Pro1155Leu (NM_001318832.2); c.3434C>T, p.Pro1145Leu (NM_001363528.2, NM_001370405.1, NM_021055.3); c.3560C>T, p.Pro1187Leu (NM_001406663.1, NM_001406664.1); and 18 more; short protein forms P1107L, P1125L, P1138L, P1139L, P1141L, P1187L, P740L, P944L.
Identifiers: ClinVar variation 2857032 (VCV002857032.5), dbSNP rs2151461327, ClinGen allele CA394289570.

ClinVar aggregate classification (germline): Uncertain significance. Review status: criteria provided, multiple submitters, no conflicts (2 of 4 stars). 3 submissions from 3 submitters: Uncertain significance (3). Last evaluated 2026-03-11.

Conditions:
Hereditary cancer-predisposing syndrome. Also called: Hereditary neoplastic syndrome; Hereditary Cancer Syndrome; Tumor predisposition; Neoplastic Syndromes, Hereditary. Identifiers: Orphanet 140162, MedGen C0027672, MeSH D009386, MONDO:0015356.
Tuberous sclerosis 2 (TSC2). Identifiers: Orphanet 805, MedGen C1860707, MONDO:0013199, OMIM 613254.

Submissions (3):

GeneDx
Classification: Uncertain significance. Last evaluated: 2026-03-11. Review status: criteria provided, single submitter. Criteria: GeneDx Variant Classification Process June 2021. Collection method: clinical testing. Allele origin: germline.
Comment: Not observed at significant frequency in large population cohorts (gnomAD); In silico analysis supports that this missense variant has a deleterious effect on protein structure/function; Has not been previously published as pathogenic or benign to our knowledge

Ambry Genetics
Classification: Uncertain significance for Hereditary cancer-predisposing syndrome. Last evaluated: 2025-11-04. Review status: criteria provided, single submitter. Criteria: Ambry Variant Classification Scheme 2023. Collection method: clinical testing. Allele origin: germline.
Comment: The p.P1188L variant (also known as c.3563C>T), located in coding exon 29 of the TSC2 gene, results from a C to T substitution at nucleotide position 3563. The proline at codon 1188 is replaced by leucine, an amino acid with similar properties. This amino acid position is conserved. In addition, this alteration is predicted to be deleterious by in silico analysis. Based on the available evidence, the clinical significance of this variant remains unclear.

Labcorp Genetics (formerly Invitae), Labcorp
Classification: Uncertain significance for Tuberous sclerosis 2. Last evaluated: 2025-07-08. Review status: criteria provided, single submitter. Criteria: Invitae Variant Classification Sherloc (09022015). Collection method: clinical testing. Allele origin: germline.
Comment: This sequence change replaces proline, which is neutral and non-polar, with leucine, which is neutral and non-polar, at codon 1188 of the TSC2 protein (p.Pro1188Leu). This variant is not present in population databases (gnomAD no frequency). This variant has not been reported in the literature in individuals affected with TSC2-related conditions. ClinVar contains an entry for this variant (Variation ID: 2857032). Invitae Evidence Modeling of protein sequence and biophysical properties (such as structural, functional, and spatial information, amino acid conservation, physicochemical variation, residue mobility, and thermodynamic stability) indicates that this missense variant is not expected to disrupt TSC2 protein function with a negative predictive value of 95%. In summary, the available evidence is currently insufficient to determine the role of this variant in disease. Therefore, it has been classified as a Variant of Uncertain Significance.